The following is an entry in ClinVar:

ClinVar aggregate classification (germline): Uncertain significance (1 of 4 stars; one submission).

Conditions:
Hereditary spastic paraplegia 11. Also called: Nakamura Osame syndrome; Autosomal recessive hereditary spastic paraplegia, mental impairment, and thin corpus callosum; Spastic paraplegia, mental retardation and thin corpus callosum; SPASTIC PARAPLEGIA, AUTOSOMAL RECESSIVE, COMPLICATED, WITH THIN CORPUS CALLOSUM; SPASTIC PARAPLEGIA, AUTOSOMAL RECESSIVE, WITH MENTAL IMPAIRMENT AND THIN CORPUS CALLOSUM; Spastic Paraplegia 11. Identifiers: Orphanet 2822, MedGen C1858479, MONDO:0011445, OMIM 604360.

Allele frequency attached by ClinVar (database versions not stated): gnomAD exomes below 0.00001 and 0.00001; gnomAD 0.00001; TOPMed 0.00002; ESP Exome Variant Server 0.00008.
gnomAD v4.1: 19 of 1,614,084 alleles (0.0012%); highest among the groups gnomAD compares: Non-Finnish European, 0.0015%; no homozygotes.

Submission:

Labcorp Genetics (formerly Invitae), Labcorp
Classification: Uncertain significance for Hereditary spastic paraplegia 11. Last evaluated: 2022-10-13. Review status: criteria provided, single submitter. Criteria: Invitae Variant Classification Sherloc (09022015). Collection method: clinical testing. Allele origin: germline.
Comment: This sequence change replaces tyrosine, which is neutral and polar, with histidine, which is basic and polar, at codon 2352 of the SPG11 protein (p.Tyr2352His). This variant is present in population databases (rs149711747, gnomAD 0.002%). This variant has not been reported in the literature in individuals affected with SPG11-related conditions. ClinVar contains an entry for this variant (Variation ID: 534862). Advanced modeling of protein sequence and biophysical properties (such as structural, functional, and spatial information, amino acid conservation, physicochemical variation, residue mobility, and thermodynamic stability) performed at Invitae indicates that this missense variant is not expected to disrupt SPG11 protein function. In summary, the available evidence is currently insufficient to determine the role of this variant in disease. Therefore, it has been classified as a Variant of Uncertain Significance.

NM_025137.4(SPG11):c.7054T>C (p.Tyr2352His)

Gene: SPG11 (SPG11 vesicle trafficking associated, spatacsin; minus strand). Cytogenetic location: 15q21.1.
Variant type: single nucleotide variant.
Coding change: c.7054T>C on transcript NM_025137.4 (MANE Select); coding-DNA position 7054, T replaced by C.
Protein change: p.Tyr2352His; replaces tyrosine 2352 with histidine.
Molecular consequence: missense variant.
Genome position (GRCh38, 1-based): chr15:44,564,644, A>G on the plus strand (T>C on the coding strand, the complement: SPG11 is on the minus strand). VCF-style: chr15-44564644-A-G. GRCh37 (hg19) VCF-style: chr15-44856842-A-G.
Other names: c.6715T>C, p.Tyr2239His (NM_001160227.2); short protein forms Y2352H, Y2239H.
Identifiers: ClinVar variation 534862 (VCV000534862.6), dbSNP rs149711747, ClinGen allele CA270057397.